The following is an entry in ClinVar:

ClinVar aggregate classification (germline): Uncertain significance. Review status: criteria provided, multiple submitters, no conflicts (2 of 4 stars). 2 submissions from 2 submitters: Uncertain significance (2). Last evaluated 2026-05-23.

Conditions:
TTN-related disorder. Also called: TTN-related disorders; TTN-related condition; TTN-related disease.

Allele frequency attached by ClinVar (database versions not stated): gnomAD exomes below 0.00001; gnomAD 0.00002; TOPMed 0.00005; ESP Exome Variant Server 0.00008.
gnomAD v4.1: 10 of 1,613,192 alleles (0.00062%); highest among the groups gnomAD compares: African/African-American, 0.011%; no homozygotes.

Submissions (2):

PreventionGenetics, part of Exact Sciences
Classification: Uncertain significance for TTN-related condition. Last evaluated: 2026-05-23. Review status: criteria provided, single submitter. Criteria: ACMG Guidelines, 2015. Collection method: clinical testing. Allele origin: germline.
Comment: The TTN c.39457G>A variant is predicted to result in the amino acid substitution p.Val13153Met. To our knowledge, this variant has not been reported in the literature. This variant is reported in 0.0065% of alleles in individuals of African descent in gnomAD. At this time, the clinical significance of this variant is uncertain due to the absence of conclusive functional and genetic evidence.

Laboratory for Molecular Medicine, Mass General Brigham Personalized Medicine
Classification: Uncertain significance. Last evaluated: 2015-04-08. Review status: criteria provided, single submitter. Criteria: LMM Criteria. Collection method: clinical testing. Allele origin: germline. Observed: 1 variant allele.
Comment: Variant classified as Uncertain Significance - Favor Benign. The p.Val10719Met v ariant in TTN has not been previously reported in individuals with cardiomyopath y, but has been identified in 1/3718 African American chromosomes by the NHLBI E xome Sequencing Project (dbSNP rs377259883). Valine (Val) at position 10719 is not conserved in evolution and several mammals (marmoset, David's myotis bat, and big brown bat) carry a methionine (Met) at t his position, suggesting that this change may be tolerated. In summary, while th e clinical significance of the p.Val10719Met variant is uncertain, the presence of the variant amino acid in other mammals suggests that it is more likely to be benign.

NM_001267550.2(TTN):c.39457G>A (p.Val13153Met)

Gene: TTN (titin; minus strand). Cytogenetic location: 2q31.2.
Variant type: single nucleotide variant.
Coding change: c.39457G>A on transcript NM_001267550.2 (MANE Select); coding-DNA position 39457, G replaced by A.
Protein change: p.Val13153Met; replaces valine 13153 with methionine.
Molecular consequence: missense variant. On other transcripts: intron variant (3).
Genome position (GRCh38, 1-based): chr2:178,651,672, C>T on the plus strand (G>A on the coding strand, the complement: TTN is on the minus strand). VCF-style: chr2-178651672-C-T. GRCh37 (hg19) VCF-style: chr2-179516399-C-T.
Other names: c.32155G>A, p.Val10719Met (NM_133378.4); c.34936G>A, p.Val11646Met (NM_001256850.1); c.13283-9355G>A (NM_003319.4); c.13859-9355G>A (NM_133437.4); c.13658-9355G>A (NM_133432.3); short protein forms V10719M, V13153M, V11646M.
Identifiers: ClinVar variation 229428 (VCV000229428.6), dbSNP rs377259883, ClinGen allele CA10576539.
Genomic context (GRCh38, chr2:178,651,672, plus strand): 5'-TATGACACTTCAAAGAAAGTTTTTTGTTAGGGAGTTAGTGGCAGTGAGGAATACCTTTCA[C>T]TGGTGGTAGTTCAGGTTTTTTGGCAACGACAGCAGGTGCTTTCTTTTCTGGGACAGGTTT-3'
Protein context (NP_001254479.2, residues 13143-13163): VVAKKPELPP[Val13153Met]KVPEVPKEVV